The following is an entry in ClinVar:

NM_001130438.3(SPTAN1):c.4391G>A (p.Arg1464Gln)

Gene: SPTAN1 (spectrin alpha, non-erythrocytic 1; plus strand). Cytogenetic location: 9q34.11.
Variant type: single nucleotide variant.
Coding change: c.4391G>A on transcript NM_001130438.3 (MANE Select); coding-DNA position 4391, G replaced by A.
Protein change: p.Arg1464Gln; replaces arginine 1464 with glutamine.
Molecular consequence: missense variant.
Genome position (GRCh38, 1-based): chr9:128,608,176, G>A. VCF-style: chr9-128608176-G-A. GRCh37 (hg19) VCF-style: chr9-131370455-G-A.
Other names: c.4391G>A, p.Arg1464Gln (NM_001375310.1, NM_001375311.2, NM_001375313.1 and 4 more transcripts); c.4427G>A, p.Arg1476Gln (NM_001375312.2, NM_001375318.1, NM_001438440.1); c.4331G>A, p.Arg1444Gln (NM_001375314.2, NM_001438441.1, NM_001438442.1 and 3 more transcripts); short protein forms R1444Q, R1464Q, R1476Q.
Identifiers: ClinVar variation 4888061 (VCV004888061.1).

ClinVar aggregate classification (germline): Uncertain significance (1 of 4 stars; one submission).

gnomAD v4.1: 1 of 1,614,096 alleles (0.000062%); highest among the groups gnomAD compares: Non-Finnish European, 0.000085%; no homozygotes.

Submission:

GeneDx
Classification: Uncertain significance. Last evaluated: 2026-01-27. Review status: criteria provided, single submitter. Criteria: GeneDx Variant Classification Process June 2021. Collection method: clinical testing. Allele origin: germline.
Comment: Not observed at significant frequency in large population cohorts (gnomAD); In silico analysis supports that this missense variant has a deleterious effect on protein structure/function; Has not been previously published as pathogenic or benign to our knowledge